The following is an entry in ClinVar:

ClinVar aggregate classification (germline): Benign/Likely benign. Review status: criteria provided, multiple submitters, no conflicts (2 of 4 stars). 3 submissions from 3 submitters: Benign (2); Likely benign (1). Last evaluated 2022-09-01.

Conditions:
Idiopathic generalized epilepsy. Also called: Generalised epilepsy; EIG. Identifiers: MedGen C0270850, MONDO:0005579, OMIM 600669.

Allele frequency attached by ClinVar (database versions not stated): gnomAD 0.00013 and below 0.00001; gnomAD exomes 0.00021 and 0.00039; TOPMed 0.00002; ExAC 0.00045; 1000 Genomes Project 0.00060; 1000 Genomes Project 30x 0.00062.
gnomAD v4.1: 322 of 1,613,884 alleles (0.02%); highest among the groups gnomAD compares: South Asian, 0.34%; 3 homozygotes.

Submissions (3):

Labcorp Genetics (formerly Invitae), Labcorp
Classification: Benign for Idiopathic generalized epilepsy. Last evaluated: 2022-09-01. Review status: criteria provided, single submitter. Criteria: Invitae Variant Classification Sherloc (09022015). Collection method: clinical testing. Allele origin: germline.

Athena Diagnostics
Classification: Benign. Last evaluated: 2020-02-05. Review status: criteria provided, single submitter. Criteria: Athena Diagnostics Criteria. Collection method: clinical testing. Allele origin: unknown.

GeneDx
Classification: Likely benign. Last evaluated: 2015-11-18. Review status: criteria provided, single submitter. Criteria: GeneDx Variant Classification (06012015). Collection method: clinical testing. Allele origin: germline. Affected: yes.
Comment: This variant is considered likely benign or benign based on one or more of the following criteria: it is a conservative change, it occurs at a poorly conserved position in the protein, it is predicted to be benign by multiple in silico algorithms, and/or has population frequency not consistent with disease.

NM_000726.5(CACNB4):c.222A>T (p.Arg74=)

Gene: CACNB4 (calcium voltage-gated channel auxiliary subunit beta 4; minus strand). Cytogenetic location: 2q23.3.
Variant type: single nucleotide variant.
Coding change: c.222A>T on transcript NM_000726.5 (MANE Select); coding-DNA position 222, A replaced by T.
Protein change: p.Arg74=; no amino-acid change (arginine 74 retained).
Molecular consequence: synonymous variant. On other transcripts: 5 prime UTR variant (2).
Genome position (GRCh38, 1-based): chr2:151,883,296, T>A on the plus strand (A>T on the coding strand, the complement: CACNB4 is on the minus strand). VCF-style: chr2-151883296-T-A. GRCh37 (hg19) VCF-style: chr2-152739810-T-A.
Other names: c.168A>T, p.Arg56= (NM_001005746.4, NM_001330113.2); c.120A>T, p.Arg40= (NM_001005747.4, NM_001330115.2); c.222A>T, p.Arg74= (NM_001145798.3); c.81A>T, p.Arg27= (NM_001320722.3, NM_001330116.2, NM_001330118.2); c.-413A>T (NM_001330114.2); c.-337A>T (NM_001330117.2).
Identifiers: ClinVar variation 377620 (VCV000377620.11), dbSNP rs553682728, ClinGen allele CA1912670.